The following is an entry in ClinVar:

NM_001366145.2(TRPM3):c.2836A>T (p.Lys946Ter)

Gene: TRPM3 (transient receptor potential cation channel subfamily M member 3; minus strand). Cytogenetic location: 9q21.12.
Variant type: single nucleotide variant.
Coding change: c.2836A>T on transcript NM_001366145.2 (MANE Select); coding-DNA position 2836, A replaced by T.
Protein change: p.Lys946Ter; replaces lysine 946 with a stop codon.
Molecular consequence: nonsense.
Genome position (GRCh38, 1-based): chr9:70,598,631, T>A on the plus strand (A>T on the coding strand, the complement: TRPM3 is on the minus strand). VCF-style: chr9-70598631-T-A. GRCh37 (hg19) VCF-style: chr9-73213547-T-A.
Other names: c.2800A>T, p.Lys934Ter (NM_001007471.4, NM_001366151.2); c.2806A>T, p.Lys936Ter (NM_001366141.2, NM_001366143.2, NM_001366149.2); c.2842A>T, p.Lys948Ter (NM_001366142.2); c.2836A>T, p.Lys946Ter (NM_001366146.2); c.2911A>T, p.Lys971Ter (NM_001366147.2, NM_001366152.2); c.2881A>T, p.Lys961Ter (NM_001366148.2); c.2770A>T, p.Lys924Ter (NM_001366150.2); c.2377A>T, p.Lys793Ter (NM_001366154.2, NM_024971.7); and 5 more; short protein forms K771*, K781*, K783*, K793*, K796*, K806*, K924*, K934*.
Identifiers: ClinVar variation 3777578 (VCV003777578.1).

ClinVar aggregate classification (germline): Uncertain significance (1 of 4 stars; one submission).

Submission:

GeneDx
Classification: Uncertain significance. Last evaluated: 2024-10-08. Review status: criteria provided, single submitter. Criteria: GeneDx Variant Classification Process June 2021. Collection method: clinical testing. Allele origin: germline. Affected: yes.
Comment: Not observed at significant frequency in large population cohorts (gnomAD); Nonsense variant predicted to result in protein truncation or nonsense mediated decay in a gene or region of a gene for which loss of function is not a well-established mechanism of disease; Has not been previously published as pathogenic or benign to our knowledge